The following is an entry in ClinVar:

NM_004247.4(EFTUD2):c.2906A>G (p.Asn969Ser)

Gene: EFTUD2 (elongation factor Tu GTP binding domain containing 2; minus strand). Cytogenetic location: 17q21.31.
Variant type: single nucleotide variant.
Coding change: c.2906A>G on transcript NM_004247.4 (MANE Select); coding-DNA position 2906, A replaced by G.
Protein change: p.Asn969Ser; replaces asparagine 969 with serine.
Molecular consequence: missense variant.
Genome position (GRCh38, 1-based): chr17:44,851,287, T>C on the plus strand (A>G on the coding strand, the complement: EFTUD2 is on the minus strand). VCF-style: chr17-44851287-T-C. GRCh37 (hg19) VCF-style: chr17-42928655-T-C.
Other names: c.2801A>G, p.Asn934Ser (NM_001142605.2); c.2906A>G, p.Asn969Ser (NM_001258353.2); c.2876A>G, p.Asn959Ser (NM_001258354.2); short protein forms N934S, N969S, N959S.
Identifiers: ClinVar variation 2370453 (VCV002370453.6), dbSNP rs139206848, ClinGen allele CA8607371.

ClinVar aggregate classification (germline): Conflicting classifications of pathogenicity. Review status: criteria provided, conflicting classifications (1 of 4 stars). 3 submissions from 3 submitters: Uncertain significance (1); Likely benign (2). Last evaluated 2025-07-07.

Conditions:
Inborn genetic diseases. Identifiers: MedGen C0950123, MeSH D030342.
Mandibulofacial dysostosis-microcephaly syndrome (MFDGA). Also called: Growth and mental retardation, mandibulofacial dysostosis, microcephaly, and cleft palate; Mandibulofacial dysostosis, Guion-Almeida type. Identifiers: Orphanet 79113, MedGen C1864652, MONDO:0012516, OMIM 610536.

Allele frequency attached by ClinVar (database versions not stated): ExAC 0.00003; gnomAD 0.00005; TOPMed 0.00005; gnomAD exomes 0.00006; ESP Exome Variant Server 0.00015.
gnomAD v4.1: 97 of 1,613,982 alleles (0.006%); highest among the groups gnomAD compares: Middle Eastern, 0.033%; no homozygotes.

Submissions (3):

Labcorp Genetics (formerly Invitae), Labcorp
Classification: Uncertain significance. Last evaluated: 2025-07-07. Review status: criteria provided, single submitter. Criteria: Invitae Variant Classification Sherloc (09022015). Collection method: clinical testing. Allele origin: germline.
Comment: This sequence change replaces asparagine, which is neutral and polar, with serine, which is neutral and polar, at codon 969 of the EFTUD2 protein (p.Asn969Ser). This variant is present in population databases (rs139206848, gnomAD 0.006%). This variant has not been reported in the literature in individuals affected with EFTUD2-related conditions. ClinVar contains an entry for this variant (Variation ID: 2370453). An algorithm developed to predict the effect of missense changes on protein structure and function (PolyPhen-2) suggests that this variant is likely to be tolerated. In summary, the available evidence is currently insufficient to determine the role of this variant in disease. Therefore, it has been classified as a Variant of Uncertain Significance.

Ambry Genetics
Classification: Likely benign for Inborn genetic diseases. Last evaluated: 2022-10-05. Review status: criteria provided, single submitter. Criteria: Ambry Variant Classification Scheme 2023. Collection method: clinical testing. Allele origin: germline.

Department of Pathology and Laboratory Medicine, Sinai Health System
Classification: Likely benign for Mandibulofacial dysostosis-microcephaly syndrome. Last evaluated: 2021-07-30. Review status: criteria provided, single submitter. Criteria: ACMG Guidelines, 2015. Collection method: research. Allele origin: germline.